The following is an entry in ClinVar:

ClinVar aggregate classification (germline): Uncertain significance (1 of 4 stars; one submission).

Conditions:
Snijders blok-fisher syndrome. Identifiers: Orphanet 656135, MedGen C5231424, MONDO:0032830, OMIM 618604.

Submission:

Dasa
Classification: Uncertain significance for Snijders blok-fisher syndrome. Last evaluated: 2025-12-01. Review status: criteria provided, single submitter. Criteria: DASA Assertion Criteria. Collection method: clinical testing. Allele origin: germline.
Comment: NM_006236.3(POU3F3):c.308_309insGGC (p.His103delinsGlnAla) is an in-frame insertion/deletion-insertion predicted to alter the protein sequence without shifting the reading frame. This variant is absent from population databases. The currently available literature and clinical evidence are not sufficient to establish a definitive association between this variant and the reported condition. Therefore, this variant is classified as a variant of uncertain significance.

NM_006236.3(POU3F3):c.308_309insGGC (p.His103delinsGlnAla)

Gene: POU3F3 (POU class 3 homeobox 3; plus strand). Cytogenetic location: 2q12.1.
Variant type: Insertion.
Coding change: c.308_309insGGC on transcript NM_006236.3 (MANE Select); coding-DNA positions 308 to 309, GGC inserted.
Protein change: p.His103delinsGlnAla.
Molecular consequence: inframe indel.
Genome position: GRCh38 VCF-style: chr2-104855818-A-AGGC. GRCh37 (hg19) VCF-style: chr2-105472276-A-AGGC.
Other names: c.308_309insGGC, p.His103delinsGlnAla (NM_001433704.1).
Identifiers: ClinVar variation 4884016 (VCV004884016.2).